The following is an entry in ClinVar:

ClinVar aggregate classification (germline): Likely benign (1 of 4 stars; one submission).

Submission:

CeGaT Center for Human Genetics Tuebingen
Classification: Likely benign. Last evaluated: 2023-03-01. Review status: criteria provided, single submitter. Criteria: CeGaT Center For Human Genetics Tuebingen Variant Classification Criteria Version 2. Collection method: clinical testing. Allele origin: germline. Affected: yes. Observed: 2 variant alleles.
Comment: HERC1: PM2:Supporting, BP4, BP7

NM_003922.4(HERC1):c.8040T>G (p.Leu2680=)

Gene: HERC1 (HECT and RLD domain containing E3 ubiquitin protein ligase family member 1; minus strand). Cytogenetic location: 15q22.31.
Variant type: single nucleotide variant.
Coding change: c.8040T>G on transcript NM_003922.4 (MANE Select); coding-DNA position 8040, T replaced by G.
Protein change: p.Leu2680=; no amino-acid change (leucine 2680 retained).
Molecular consequence: synonymous variant.
Genome position (GRCh38, 1-based): chr15:63,672,501, A>C on the plus strand (T>G on the coding strand, the complement: HERC1 is on the minus strand). VCF-style: chr15-63672501-A-C. GRCh37 (hg19) VCF-style: chr15-63964700-A-C.
Identifiers: ClinVar variation 2645435 (VCV002645435.24), dbSNP rs2551313997, ClinGen allele CA490710839.